The following is an entry in ClinVar:

NM_017849.4(TMEM127):c.533A>C (p.Tyr178Ser)

Gene: TMEM127 (transmembrane protein 127; minus strand). Cytogenetic location: 2q11.2.
Variant type: single nucleotide variant.
Coding change: c.533A>C on transcript NM_017849.4 (MANE Select); coding-DNA position 533, A replaced by C.
Protein change: p.Tyr178Ser; replaces tyrosine 178 with serine.
Molecular consequence: missense variant.
Genome position (GRCh38, 1-based): chr2:96,253,992, T>G on the plus strand (A>C on the coding strand, the complement: TMEM127 is on the minus strand). VCF-style: chr2-96253992-T-G. GRCh37 (hg19) VCF-style: chr2-96919730-T-G.
Other names: c.533A>C, p.Tyr178Ser (NM_001193304.3); c.281A>C, p.Tyr94Ser (NM_001407282.1, NM_001407283.1); short protein forms Y178S, Y94S.
Identifiers: ClinVar variation 4529769 (VCV004529769.1).

ClinVar aggregate classification (germline): Uncertain significance (1 of 4 stars; one submission).

Submission:

GeneDx
Classification: Uncertain significance. Last evaluated: 2025-05-14. Review status: criteria provided, single submitter. Criteria: GeneDx Variant Classification Process June 2021. Collection method: clinical testing. Allele origin: germline. Affected: yes.
Comment: Not observed at significant frequency in large population cohorts (gnomAD); In silico analysis supports that this missense variant has a deleterious effect on protein structure/function; Has not been previously published as pathogenic or benign to our knowledge; This variant is associated with the following publications: (PMID: 21156949)